The following is an entry in ClinVar:

ClinVar aggregate classification (germline): Uncertain significance (1 of 4 stars; one submission).

Conditions:
Familial cold autoinflammatory syndrome 3 (FCAS3). Also called: FAMILIAL ATYPICAL COLD URTICARIA; ANTIBODY DEFICIENCY AND IMMUNE DYSREGULATION, PLCG2-ASSOCIATED. Identifiers: Orphanet 300359, MedGen C3280914, MONDO:0013766, OMIM 614468.

Submission:

Labcorp Genetics (formerly Invitae), Labcorp
Classification: Uncertain significance for Familial cold autoinflammatory syndrome 3. Last evaluated: 2022-05-22. Review status: criteria provided, single submitter. Criteria: Invitae Variant Classification Sherloc (09022015). Collection method: clinical testing. Allele origin: germline.
Comment: In summary, the available evidence is currently insufficient to determine the role of this variant in disease. Therefore, it has been classified as a Variant of Uncertain Significance. Algorithms developed to predict the effect of missense changes on protein structure and function (SIFT, PolyPhen-2, Align-GVGD) all suggest that this variant is likely to be tolerated. This variant has not been reported in the literature in individuals affected with PLCG2-related conditions. This variant is not present in population databases (gnomAD no frequency). This sequence change replaces alanine, which is neutral and non-polar, with glutamic acid, which is acidic and polar, at codon 830 of the PLCG2 protein (p.Ala830Glu).

NM_002661.5(PLCG2):c.2489C>A (p.Ala830Glu)

Gene: PLCG2 (phospholipase C gamma 2; plus strand). Cytogenetic location: 16q23.3.
Variant type: single nucleotide variant.
Coding change: c.2489C>A on transcript NM_002661.5 (MANE Select); coding-DNA position 2489, C replaced by A.
Protein change: p.Ala830Glu; replaces alanine 830 with glutamic acid.
Molecular consequence: missense variant.
Genome position (GRCh38, 1-based): chr16:81,927,153, C>A. VCF-style: chr16-81927153-C-A. GRCh37 (hg19) VCF-style: chr16-81960758-C-A.
Other names: short protein forms A830E.
Identifiers: ClinVar variation 1960526 (VCV001960526.5), dbSNP rs1044963463, ClinGen allele CA285177383.